The following is an entry in ClinVar:

ClinVar aggregate classification (germline): Pathogenic (1 of 4 stars; one submission).

Conditions:
Hereditary breast ovarian cancer syndrome. Also called: Hereditary breast and ovarian cancer syndrome; Hereditary breast and ovarian cancer; Hereditary breast and ovarian cancer syndrome (HBOC); Breast and ovarian cancer; Hereditary breast and/or ovarian cancer syndrome; BRCA1- and BRCA2-Associated Hereditary Breast and Ovarian Cancer. Identifiers: Orphanet 145, MedGen C0677776, MeSH D061325, MONDO:0003582. Disease mechanism: loss of function.

Submission:

Labcorp Genetics (formerly Invitae), Labcorp
Classification: Pathogenic for Hereditary breast ovarian cancer syndrome. Last evaluated: 2022-02-24. Review status: criteria provided, single submitter. Criteria: Invitae Variant Classification Sherloc (09022015). Collection method: clinical testing. Allele origin: unknown.
Comment: This variant results in the deletion of exon(s) 4-9 and part of exon 10 (c.135-1834_2062del) of the BRCA1 gene. It is expected to disrupt RNA splicing. Variants that disrupt the donor or acceptor splice site typically lead to a loss of protein function (PMID: 16199547), and loss-of-function variants in BRCA1 are known to be pathogenic (PMID: 20104584). This variant has not been reported in the literature in individuals affected with BRCA1-related conditions. For these reasons, this variant has been classified as Pathogenic.

Literature cited by the submitters: PubMed 16199547; PubMed 20104584.

NC_000017.10:g.(?_41245486)_(41260384_?)del

Gene: BRCA1 (BRCA1 DNA repair associated; minus strand). Cytogenetic location: 17q21.31.
Variant type: Deletion.
Identifiers: ClinVar variation 3243023 (VCV003243023.1).